The following is an entry in ClinVar:

ClinVar aggregate classification (germline): Likely benign. Review status: criteria provided, multiple submitters, no conflicts (2 of 4 stars). 2 submissions from 2 submitters: Likely benign (2). Last evaluated 2023-06-01.

Conditions:
Spastic ataxia 2. Also called: Ataxia, spastic, 2, autosomal recessive. Identifiers: Orphanet 397946, MedGen C1969796, MONDO:0012651, OMIM 611302.

Allele frequency attached by ClinVar (database versions not stated): gnomAD exomes below 0.00001; ExAC 0.00001.
gnomAD v4.1: 1 of 1,613,614 alleles (0.000062%); highest among the groups gnomAD compares: African/African-American, 0.0013%; no homozygotes.

Submissions (2):

CeGaT Center for Human Genetics Tuebingen
Classification: Likely benign. Last evaluated: 2023-06-01. Review status: criteria provided, single submitter. Criteria: CeGaT Center For Human Genetics Tuebingen Variant Classification Criteria Version 2. Collection method: clinical testing. Allele origin: germline. Affected: yes. Observed: 1 variant allele.
Comment: KIF1C: PM2:Supporting, BP4, BP7

Labcorp Genetics (formerly Invitae), Labcorp
Classification: Likely benign for Spastic ataxia 2. Last evaluated: 2022-10-23. Review status: criteria provided, single submitter. Criteria: Invitae Variant Classification Sherloc (09022015). Collection method: clinical testing. Allele origin: germline.

NM_006612.6(KIF1C):c.2781C>T (p.Leu927=)

Gene: KIF1C (kinesin family member 1C; plus strand). Cytogenetic location: 17p13.2.
Variant type: single nucleotide variant.
Coding change: c.2781C>T on transcript NM_006612.6 (MANE Select); coding-DNA position 2781, C replaced by T.
Protein change: p.Leu927=; no amino-acid change (leucine 927 retained).
Molecular consequence: synonymous variant.
Genome position (GRCh38, 1-based): chr17:5,023,620, C>T. VCF-style: chr17-5023620-C-T. GRCh37 (hg19) VCF-style: chr17-4926915-C-T.
Identifiers: ClinVar variation 2161679 (VCV002161679.31), dbSNP rs780050504, ClinGen allele CA8319394.